The following is an entry in ClinVar:

ClinVar aggregate classification (germline): Benign/Likely benign. Review status: criteria provided, multiple submitters, no conflicts (2 of 4 stars). 14 submissions from 14 submitters: Benign (11); Likely benign (2). 1 of the submissions does not count toward it. Last evaluated 2026-02-04.

Conditions:
Sarcoglycanopathy. Identifiers: Orphanet 207052, MedGen C2936331, MONDO:0016140.
Autosomal recessive limb-girdle muscular dystrophy type 2C (LGMDR5). Also called: MUSCULAR DYSTROPHY, DUCHENNE-LIKE; MUSCULAR DYSTROPHY, LIMB-GIRDLE, AUTOSOMAL RECESSIVE 5. Identifiers: Orphanet 353, MedGen C0410173, MONDO:0009677, OMIM 253700. Disease mechanism: Affects gamma-sarcoglycan and also disrupts the integrity of the entire sarcoglycan complex..

Allele frequency attached by ClinVar (database versions not stated): ESP Exome Variant Server 0.57620; gnomAD 0.60006 and 0.60742; TOPMed 0.60587; 1000 Genomes Project 30x 0.62242; 1000 Genomes Project 0.62979; ExAC 0.67442; gnomAD exomes 0.68608.
gnomAD v4.1: 1,067,625 of 1,613,342 alleles (66%); highest among the groups gnomAD compares: Admixed American, 79%; 358,104 homozygotes.

Submissions (14):

Labcorp Genetics (formerly Invitae), Labcorp
Classification: Benign for Autosomal recessive limb-girdle muscular dystrophy type 2C. Last evaluated: 2026-02-04. Review status: criteria provided, single submitter. Criteria: Invitae Variant Classification Sherloc (09022015). Collection method: clinical testing. Allele origin: germline.

Blueprint Genetics
Classification: Likely benign. Last evaluated: 2024-11-27. Review status: criteria provided, single submitter. Criteria: ACMG Guidelines, 2015. Collection method: clinical testing. Allele origin: germline.

Women's Health and Genetics/Laboratory Corporation of America, LabCorp
Classification: Benign. Last evaluated: 2023-12-13. Review status: criteria provided, single submitter. Criteria: LabCorp Variant Classification Summary - May 2015. Collection method: clinical testing. Allele origin: germline.

Genome-Nilou Lab
Classification: Benign for Autosomal recessive limb-girdle muscular dystrophy type 2C. Last evaluated: 2021-07-01. Review status: criteria provided, single submitter. Criteria: ACMG Guidelines, 2015. Collection method: clinical testing. Allele origin: germline. Affected: no.

Illumina Laboratory Services, Illumina
Classification: Benign for Sarcoglycanopathy. Last evaluated: 2018-01-13. Review status: criteria provided, single submitter. Criteria: ICSL Variant Classification Criteria 13 December 2019. Collection method: clinical testing. Allele origin: germline.
Comment: This variant was observed in the ICSL laboratory as part of a predisposition screen in an ostensibly healthy population. It had not been previously curated by ICSL or reported in the Human Gene Mutation Database (HGMD: prior to June 1st, 2018), and was therefore a candidate for classification through an automated scoring system. Utilizing variant allele frequency, disease prevalence and penetrance estimates, and inheritance mode, an automated score was calculated to assess if this variant is too frequent to cause the disease. Based on the score and internal cut-off values, a variant classified as benign is not then subjected to further curation. The score for this variant resulted in a classification of benign for this disease.

Mayo Clinic Laboratories, Mayo Clinic
Classification: Benign. Last evaluated: 2017-07-18. Review status: criteria provided, single submitter. Criteria: ACMG Guidelines, 2015. Collection method: clinical testing. Allele origin: germline. Observed: 627 variant alleles.

Athena Diagnostics
Classification: Benign. Last evaluated: 2017-04-13. Review status: criteria provided, single submitter. Criteria: Athena Diagnostics Criteria. Collection method: clinical testing. Allele origin: germline.

GeneDx
Classification: Benign. Last evaluated: 2016-01-07. Review status: criteria provided, single submitter. Criteria: GeneDx Variant Classification (06012015). Collection method: clinical testing. Allele origin: germline. Affected: yes.
Comment: This variant is considered likely benign or benign based on one or more of the following criteria: it is a conservative change, it occurs at a poorly conserved position in the protein, it is predicted to be benign by multiple in silico algorithms, and/or has population frequency not consistent with disease.

Laboratory for Molecular Medicine, Mass General Brigham Personalized Medicine
Classification: Benign. Last evaluated: 2014-11-26. Review status: criteria provided, single submitter. Criteria: LMM Criteria. Collection method: clinical testing. Allele origin: germline. Observed: 13 variant alleles.
Comment: This is a RefSeq error. The reference base (c.705T) is the minor allele. This al lele (T) has been identified in 33% (2878/8600) of European American chromosomes and 60% (2634/4406) of African American chromosomes by the NHLBI Exome Sequenci ng Project (dbSNP rs1800353) and thus meets c riteria to be classified as benign.

Genetic Services Laboratory, University of Chicago
Classification: Benign for AllHighlyPenetrant. Last evaluated: 2013-08-15. Review status: criteria provided, single submitter. Criteria: ACMG Guidelines, 2007. Collection method: clinical testing. Allele origin: germline. Inheritance: Autosomal recessive inheritance.

Eurofins Ntd Llc (ga)
Classification: Benign. Last evaluated: 2013-07-29. Review status: criteria provided, single submitter. Criteria: EGL Classification Definitions 2015. Collection method: clinical testing. Allele origin: germline. Observed: 87 variant alleles, 37 heterozygotes, 50 homozygotes.

Breakthrough Genomics
Classification: Likely benign. Review status: criteria provided, single submitter. Criteria: ACMG Guidelines, 2015. Collection method: not provided. Allele origin: germline. Inheritance: Autosomal recessive inheritance. Affected: yes.

PreventionGenetics, part of Exact Sciences
Classification: Benign. Review status: criteria provided, single submitter. Criteria: ACMG Guidelines, 2015. Collection method: clinical testing. Allele origin: germline.

Natera, Inc.
Classification: Benign for Limb-girdle muscular dystrophy type 2C. Last evaluated: 2020-09-16. Review status: no assertion criteria provided. Collection method: clinical testing. Allele origin: germline. Not counted in ClinVar's aggregate classification.

NM_000231.3(SGCG):c.705T>C (p.Leu235=)

Gene: SGCG (sarcoglycan gamma; plus strand). Cytogenetic location: 13q12.12.
Variant type: single nucleotide variant.
Coding change: c.705T>C on transcript NM_000231.3 (MANE Select); coding-DNA position 705, T replaced by C.
Protein change: p.Leu235=; no amino-acid change (leucine 235 retained).
Molecular consequence: synonymous variant.
Genome position (GRCh38, 1-based): chr13:23,324,370, T>C. VCF-style: chr13-23324370-T-C. GRCh37 (hg19) VCF-style: chr13-23898509-T-C.
Other names: p.Leu235=; c.759T>C, p.Leu253= (NM_001378244.1); c.705T>C, p.Leu235= (NM_001378245.1, NM_001378246.1).
Identifiers: ClinVar variation 92657 (VCV000092657.34), dbSNP rs1800353, ClinGen allele CA145907.
Genomic context (GRCh38, chr13:23,324,370, plus strand): 5'-TGCTGCTGACCAGGGTGGCCCTTCCTTAACTCTTCGTCTCTCATCTTCTCCCAACCAGCT[T>C]GTGCTTGATGCTGAAACTGTGTGCTTACCCAAGCTGGTGCAGGGGACGTGGGGTCCCTCT-3'
Protein context (NP_000222.2, residues 225-245): DILFHSSDGM[Leu235=]VLDAETVCLP